The following is an entry in ClinVar:

ClinVar aggregate classification (germline): Likely benign (1 of 4 stars; one submission).

Allele frequency attached by ClinVar (database versions not stated): 1000 Genomes Project 30x 0.00047; 1000 Genomes Project 0.00060; gnomAD 0.00126; TOPMed 0.00136; ExAC 0.00145; ESP Exome Variant Server 0.00208.
gnomAD v4.1: 2,895 of 1,610,908 alleles (0.18%); highest among the groups gnomAD compares: Non-Finnish European, 0.23%; 5 homozygotes.

Submission:

CeGaT Center for Human Genetics Tuebingen
Classification: Likely benign. Last evaluated: 2023-03-01. Review status: criteria provided, single submitter. Criteria: CeGaT Center For Human Genetics Tuebingen Variant Classification Criteria Version 2. Collection method: clinical testing. Allele origin: germline. Affected: yes. Observed: 1 variant allele.
Comment: ENTPD3: BP4, BP7

NM_001248.4(ENTPD3):c.417G>A (p.Thr139=)

Genes: ENTPD3 (ectonucleoside triphosphate diphosphohydrolase 3; plus strand), ENTPD3-AS1 (ENTPD3, EIF1B and MYRIP antisense RNA 1; minus strand). Cytogenetic location: 3p22.1.
Variant type: single nucleotide variant.
Coding change: c.417G>A on transcript NM_001248.4 (MANE Select); coding-DNA position 417, G replaced by A.
Protein change: p.Thr139=; no amino-acid change (threonine 139 retained).
Molecular consequence: synonymous variant.
Genome position (GRCh38, 1-based): chr3:40,411,942, G>A. VCF-style: chr3-40411942-G-A. GRCh37 (hg19) VCF-style: chr3-40453433-G-A.
Other names: c.417G>A, p.Thr139= (NM_001291960.2, NM_001291961.2).
Identifiers: ClinVar variation 2653691 (VCV002653691.24), dbSNP rs41286046, ClinGen allele CA2329143.
Genomic context (GRCh38, chr3:40,411,942, plus strand): 5'-AGTCAAGGGGCAGGTTCCATCCCACCTCCACGGATCCACCCCCATTCACCTGGGAGCCAC[G>A]GCTGGGATGCGCTTGCTGAGGTAAAGGCTAAGTGGCACAAAGGAGCCCATTTGACCAAAA-3'
Protein context (NP_001239.2, residues 129-149): HGSTPIHLGA[Thr139=]AGMRLLRLQN